The following is an entry in ClinVar:

ClinVar aggregate classification (germline): Likely benign. Review status: criteria provided, multiple submitters, no conflicts (2 of 4 stars). 4 submissions from 4 submitters: Likely benign (3). 1 of the submissions does not count toward it. Last evaluated 2026-01-07.

Conditions:
Fanconi anemia (FA). Also called: Fanconi's anemia. Identifiers: Orphanet 84, MedGen C0015625, MeSH D005199, MONDO:0019391.
FANCA-related disorder. Also called: FANCA-related condition.

Allele frequency attached by ClinVar (database versions not stated): TOPMed 0.00002; gnomAD 0.00003 and 0.00004; ExAC 0.00004; gnomAD exomes 0.00008; 1000 Genomes Project 0.00020; 1000 Genomes Project 30x 0.00031.
gnomAD v4.1: 38 of 1,614,186 alleles (0.0024%); highest among the groups gnomAD compares: Admixed American, 0.055%; 1 homozygote.

Submissions (4):

Labcorp Genetics (formerly Invitae), Labcorp
Classification: Likely benign for Fanconi anemia. Last evaluated: 2026-01-07. Review status: criteria provided, single submitter. Criteria: Invitae Variant Classification Sherloc (09022015). Collection method: clinical testing. Allele origin: germline.

Quest Diagnostics Nichols Institute San Juan Capistrano
Classification: Likely benign. Last evaluated: 2023-04-17. Review status: criteria provided, single submitter. Criteria: Quest Diagnostics criteria. Collection method: clinical testing. Allele origin: unknown.

Genetic Services Laboratory, University of Chicago
Classification: Likely benign. Last evaluated: 2021-03-31. Review status: criteria provided, single submitter. Criteria: ACMG Guidelines, 2015. Collection method: clinical testing. Allele origin: germline. Affected: no.

PreventionGenetics, part of Exact Sciences
Classification: Likely benign for FANCA-related condition. Last evaluated: 2022-04-06. Review status: no assertion criteria provided. Collection method: clinical testing. Allele origin: germline. Not counted in ClinVar's aggregate classification.
Comment: This variant is classified as likely benign based on ACMG/AMP sequence variant interpretation guidelines (Richards et al. 2015 PMID: 25741868, with internal and published modifications).

NM_000135.4(FANCA):c.3669C>T (p.Asp1223=)

Gene: FANCA (FA complementation group A; minus strand). Cytogenetic location: 16q24.3.
Variant type: single nucleotide variant.
Coding change: c.3669C>T on transcript NM_000135.4 (MANE Select); coding-DNA position 3669, C replaced by T.
Protein change: p.Asp1223=; no amino-acid change (aspartic acid 1223 retained).
Molecular consequence: synonymous variant.
Genome position (GRCh38, 1-based): chr16:89,742,896, G>A on the plus strand (C>T on the coding strand, the complement: FANCA is on the minus strand). VCF-style: chr16-89742896-G-A. GRCh37 (hg19) VCF-style: chr16-89809304-G-A.
Other names: c.3669C>T, p.Asp1223= (NM_001286167.3); c.3669C>T (LRG_495t1).
Identifiers: ClinVar variation 456119 (VCV000456119.18), dbSNP rs187074190, ClinGen allele CA8251025.